The following is an entry in ClinVar:

NM_001378328.1(CELSR1):c.3072C>G (p.Asn1024Lys)

Gene: CELSR1 (cadherin EGF LAG seven-pass G-type receptor 1; minus strand). Cytogenetic location: 22q13.31.
Variant type: single nucleotide variant.
Coding change: c.3072C>G on transcript NM_001378328.1 (MANE Select); coding-DNA position 3072, C replaced by G.
Protein change: p.Asn1024Lys; replaces asparagine 1024 with lysine.
Molecular consequence: missense variant.
Genome position (GRCh38, 1-based): chr22:46,534,099, G>C on the plus strand (C>G on the coding strand, the complement: CELSR1 is on the minus strand). VCF-style: chr22-46534099-G-C. GRCh37 (hg19) VCF-style: chr22-46929996-G-C.
Other names: c.3072C>G, p.Asn1024Lys (NM_014246.4); short protein forms N1024K.
Identifiers: ClinVar variation 1320466 (VCV001320466.2), dbSNP rs1254496120, ClinGen allele CA411938687.

ClinVar aggregate classification (germline): Uncertain significance (1 of 4 stars; one submission).

Submission:

GeneDx
Classification: Uncertain significance. Last evaluated: 2019-12-07. Review status: criteria provided, single submitter. Criteria: GeneDx Variant Classification Process June 2021. Collection method: clinical testing. Allele origin: germline. Affected: yes.
Comment: Not observed in large population cohorts (Lek et al., 2016); In silico analysis, which includes protein predictors and evolutionary conservation, supports that this variant does not alter protein structure/function; Has not been previously published as pathogenic or benign to our knowledge